The following is an entry in ClinVar:

NM_000494.4(COL17A1):c.2605+13G>A

Gene: COL17A1 (collagen type XVII alpha 1 chain; minus strand). Cytogenetic location: 10q25.1.
Variant type: single nucleotide variant.
Coding change: c.2605+13G>A on transcript NM_000494.4 (MANE Select); 13 bases into the intron after coding-DNA position 2605, G replaced by A.
Molecular consequence: intron variant.
Genome position (GRCh38, 1-based): chr10:104,041,472, C>T on the plus strand (G>A on the coding strand, the complement: COL17A1 is on the minus strand). VCF-style: chr10-104041472-C-T. GRCh37 (hg19) VCF-style: chr10-105801230-C-T.
Identifiers: ClinVar variation 878247 (VCV000878247.12), dbSNP rs41290934, ClinGen allele CA5678381.
Genomic context (GRCh38, chr10:104,041,472, plus strand): 5'-GCTTCCTCACTAAGTGCATTGAATCTCCTGTCCCCCAAACTCCCCACCTTCCAAAGGTCT[C>T]CAAGATACTCACCTGGTGGCCCGCGTGGGCCGGGTGGGCCTGGGGGACCTTGTAAATTAA-3'

ClinVar aggregate classification (germline): Benign. Review status: criteria provided, multiple submitters, no conflicts (2 of 4 stars). 3 submissions from 3 submitters: Benign (3). Last evaluated 2026-01-28.

Conditions:
Junctional epidermolysis bullosa, non-Herlitz type. Also called: EPIDERMOLYSIS BULLOSA JUNCTIONALIS, DISENTIS TYPE; EPIDERMOLYSIS BULLOSA JUNCTIONALIS, NON-HERLITZ TYPE; EPIDERMOLYSIS BULLOSA JUNCTIONALIS, PROGRESSIVE; EPIDERMOLYSIS BULLOSA JUNCTIONALIS, SEVERE NONLETHAL; Epidermolysis bullosa, junctional, non-herlitz type, somatic mosaic revertant; COL17A1-Related Junctional Epidermolysis Bullosa. Identifiers: Orphanet 251393, Orphanet 79402, Orphanet 79405, Orphanet 89840, MedGen C0268374, MONDO:0009180, OMIM 226650.

Allele frequency attached by ClinVar (database versions not stated): 1000 Genomes Project 30x 0.00203; 1000 Genomes Project 0.00240; TOPMed 0.00520; gnomAD 0.00547 and 0.00551; ESP Exome Variant Server 0.00577; gnomAD exomes 0.00633 and 0.00648; ExAC 0.00644.
gnomAD v4.1: 10,343 of 1,612,432 alleles (0.64%); highest among the groups gnomAD compares: Middle Eastern, 2%; 51 homozygotes.

Submissions (3):

Labcorp Genetics (formerly Invitae), Labcorp
Classification: Benign. Last evaluated: 2026-01-28. Review status: criteria provided, single submitter. Criteria: Invitae Variant Classification Sherloc (09022015). Collection method: clinical testing. Allele origin: germline.

Illumina Laboratory Services, Illumina
Classification: Benign for Junctional epidermolysis bullosa, non-Herlitz type. Last evaluated: 2018-01-13. Review status: criteria provided, single submitter. Criteria: ICSL Variant Classification Criteria 13 December 2019. Collection method: clinical testing. Allele origin: germline.
Comment: This variant was observed in the ICSL laboratory as part of a predisposition screen in an ostensibly healthy population. It had not been previously curated by ICSL or reported in the Human Gene Mutation Database (HGMD: prior to June 1st, 2018), and was therefore a candidate for classification through an automated scoring system. Utilizing variant allele frequency, disease prevalence and penetrance estimates, and inheritance mode, an automated score was calculated to assess if this variant is too frequent to cause the disease. Based on the score and internal cut-off values, a variant classified as benign is not then subjected to further curation. The score for this variant resulted in a classification of benign for this disease.

Breakthrough Genomics
Classification: Benign. Review status: criteria provided, single submitter. Criteria: ACMG Guidelines, 2015. Collection method: not provided. Allele origin: germline. Inheritance: Autosomal recessive inheritance. Affected: yes.